The following is an entry in ClinVar:

NM_024747.6(HPS6):c.1169C>A (p.Ala390Asp)

Gene: HPS6 (HPS6 biogenesis of lysosomal organelles complex 2 subunit 3; plus strand). Cytogenetic location: 10q24.32.
Variant type: single nucleotide variant.
Coding change: c.1169C>A on transcript NM_024747.6 (MANE Select); coding-DNA position 1169, C replaced by A.
Protein change: p.Ala390Asp; replaces alanine 390 with aspartic acid.
Molecular consequence: missense variant.
Genome position (GRCh38, 1-based): chr10:102,066,643, C>A. VCF-style: chr10-102066643-C-A. GRCh37 (hg19) VCF-style: chr10-103826400-C-A.
Other names: c.1169C>A (NM_024747.5); short protein forms A390D.
Identifiers: ClinVar variation 1396306 (VCV001396306.4), dbSNP rs966818087, ClinGen allele CA212200941.

ClinVar aggregate classification (germline): Uncertain significance. Review status: criteria provided, multiple submitters, no conflicts (2 of 4 stars). 2 submissions from 2 submitters: Uncertain significance (2). Last evaluated 2024-06-07.

Conditions:
Inborn genetic diseases. Identifiers: MedGen C0950123, MeSH D030342.

Allele frequency attached by ClinVar (database versions not stated): gnomAD exomes below 0.00001; gnomAD 0.00001; TOPMed 0.00002.

Submissions (2):

Ambry Genetics
Classification: Uncertain significance for Inborn genetic diseases. Last evaluated: 2024-06-07. Review status: criteria provided, single submitter. Criteria: Ambry Variant Classification Scheme 2023. Collection method: clinical testing. Allele origin: germline.

Labcorp Genetics (formerly Invitae), Labcorp
Classification: Uncertain significance. Last evaluated: 2021-10-02. Review status: criteria provided, single submitter. Criteria: Invitae Variant Classification Sherloc (09022015). Collection method: clinical testing. Allele origin: germline.
Comment: This sequence change replaces alanine with aspartic acid at codon 390 of the HPS6 protein (p.Ala390Asp). The alanine residue is moderately conserved and there is a moderate physicochemical difference between alanine and aspartic acid. This variant is not present in population databases (ExAC no frequency). This variant has not been reported in the literature in individuals affected with HPS6-related conditions. Algorithms developed to predict the effect of missense changes on protein structure and function are either unavailable or do not agree on the potential impact of this missense change (SIFT: "Tolerated"; PolyPhen-2: "Possibly Damaging"; Align-GVGD: "Class C0"). In summary, the available evidence is currently insufficient to determine the role of this variant in disease. Therefore, it has been classified as a Variant of Uncertain Significance.